The following is an entry in ClinVar:

NM_006389.5(HYOU1):c.2035C>G (p.Pro679Ala)

Gene: HYOU1 (hypoxia up-regulated 1; minus strand). Cytogenetic location: 11q23.3.
Variant type: single nucleotide variant.
Coding change: c.2035C>G on transcript NM_006389.5 (MANE Select); coding-DNA position 2035, C replaced by G.
Protein change: p.Pro679Ala; replaces proline 679 with alanine.
Molecular consequence: missense variant.
Genome position (GRCh38, 1-based): chr11:119,048,844, G>C on the plus strand (C>G on the coding strand, the complement: HYOU1 is on the minus strand). VCF-style: chr11-119048844-G-C. GRCh37 (hg19) VCF-style: chr11-118919556-G-C.
Other names: c.2035C>G, p.Pro679Ala (NM_001130991.3, NM_001411041.1); short protein forms P679A.
Identifiers: ClinVar variation 3013948 (VCV003013948.3), dbSNP rs571007163, ClinGen allele CA229619420.

ClinVar aggregate classification (germline): Uncertain significance (1 of 4 stars; one submission).

Allele frequency attached by ClinVar (database versions not stated): gnomAD 0.00002; 1000 Genomes Project 30x 0.00016.
gnomAD v4.1: 12 of 1,613,564 alleles (0.00074%); highest among the groups gnomAD compares: South Asian, 0.013%; no homozygotes.

Submission:

Labcorp Genetics (formerly Invitae), Labcorp
Classification: Uncertain significance. Last evaluated: 2023-09-22. Review status: criteria provided, single submitter. Criteria: Invitae Variant Classification Sherloc (09022015). Collection method: clinical testing. Allele origin: germline.
Comment: In summary, the available evidence is currently insufficient to determine the role of this variant in disease. Therefore, it has been classified as a Variant of Uncertain Significance. Algorithms developed to predict the effect of missense changes on protein structure and function output the following: SIFT: "Not Available"; PolyPhen-2: "Benign"; Align-GVGD: "Not Available". The alanine amino acid residue is found in multiple mammalian species, which suggests that this missense change does not adversely affect protein function. This variant has not been reported in the literature in individuals affected with HYOU1-related conditions. This variant is present in population databases (rs571007163, gnomAD 0.01%). This sequence change replaces proline, which is neutral and non-polar, with alanine, which is neutral and non-polar, at codon 679 of the HYOU1 protein (p.Pro679Ala).